The following is an entry in ClinVar:

NM_007294.4(BRCA1):c.3035G>A (p.Arg1012Lys)

Gene: BRCA1 (BRCA1 DNA repair associated; minus strand). Cytogenetic location: 17q21.31.
Variant type: single nucleotide variant.
Coding change: c.3035G>A on transcript NM_007294.4 (MANE Select); coding-DNA position 3035, G replaced by A.
Protein change: p.Arg1012Lys; replaces arginine 1012 with lysine.
Molecular consequence: missense variant. On other transcripts: intron variant (137).
Genome position (GRCh38, 1-based): chr17:43,092,496, C>T on the plus strand (G>A on the coding strand, the complement: BRCA1 is on the minus strand). VCF-style: chr17-43092496-C-T. GRCh37 (hg19) VCF-style: chr17-41244513-C-T.
Other names: c.2912G>A, p.Arg971Lys (NM_001407676.1, NM_001407677.1, NM_001407683.1 and 19 more transcripts); c.2909G>A, p.Arg970Lys (NM_001407685.1, NM_001407686.1, NM_001407649.1 and 11 more transcripts); c.3035G>A, p.Arg1012Lys (NM_001407684.1, NM_001407581.1, NM_001407582.1 and 30 more transcripts); c.2822G>A, p.Arg941Lys (NM_001407571.1, NM_001407853.1, NM_001407894.1 and 9 more transcripts); c.3032G>A, p.Arg1011Lys (NM_001407587.1, NM_001407590.1, NM_001407591.1 and 22 more transcripts); c.3026G>A, p.Arg1009Lys (NM_001407646.1, NM_001407647.1); c.2957G>A, p.Arg986Lys (NM_001407653.1, NM_001407654.1, NM_001407655.1 and 4 more transcripts); c.2954G>A, p.Arg985Lys (NM_001407659.1, NM_001407660.1, NM_001407661.1 and 1 more transcripts); and 41 more; short protein forms R1012K, R965K, R1011K, R884K, R885K, R944K, R985K, R1009K.
Identifiers: ClinVar variation 230249 (VCV000230249.8), dbSNP rs876658464, ClinGen allele CA10580581.

ClinVar aggregate classification (germline): Conflicting classifications of pathogenicity. Review status: criteria provided, conflicting classifications (1 of 4 stars). 2 submissions from 2 submitters: Uncertain significance (1); Likely benign (1). Last evaluated 2023-03-23.

Conditions:
Hereditary cancer-predisposing syndrome. Also called: Hereditary neoplastic syndrome; Hereditary Cancer Syndrome; Neoplastic Syndromes, Hereditary; Tumor predisposition. Identifiers: Orphanet 140162, MedGen C0027672, MeSH D009386, MONDO:0015356.

Submissions (2):

University of Washington Department of Laboratory Medicine, University of Washington
Classification: Likely benign for Hereditary cancer-predisposing syndrome. Last evaluated: 2023-03-23. Review status: criteria provided, single submitter. Criteria: Dines et al. (Genet Med. 2020). Collection method: curation. Allele origin: germline.
Comment: Missense variant in a coldspot region where missense variants are very unlikely to be pathogenic (PMID:31911673).

BRCA1 coldspot (exon 11 using historical exon numbering). Reclassification based on statistical prior probability

Ambry Genetics
Classification: Uncertain significance for Hereditary cancer-predisposing syndrome. Last evaluated: 2015-01-30. Review status: criteria provided, single submitter. Criteria: Ambry Variant Classification Scheme 2023. Collection method: clinical testing. Allele origin: germline.
Comment: The p.R1012K variant (also known as c.3035G>A and 3154G>A), located in coding exon 9 of the BRCA1 gene, results from a G to A substitution at nucleotide position 3035. The arginine at codon 1012 is replaced by lysine, an amino acid with highly similar properties. This variant was not reported in population based cohorts in the following databases: Database of Single Nucleotide Polymorphisms (dbSNP), NHLBI Exome Sequencing Project (ESP), and 1000 Genomes Project. In the ESP, this variant was not observed in 6503 samples (13006 alleles) with coverage at this position. To date, this alteration has been detected with an allele frequency of approximately 0.001% (greater than 105,000 alleles tested) in our clinical cohort. This amino acid position is not well conserved in available vertebrate species. In addition, this alteration is predicted to be tolerated by in silico analysis. Since supporting evidence is limited at this time, the clinical significance of p.R1012K remains unclear.